The following is an entry in ClinVar:

NM_002609.4(PDGFRB):c.1556AGG[1] (p.Glu520del)

Gene: PDGFRB (platelet derived growth factor receptor beta; minus strand). Cytogenetic location: 5q32.
Variant type: Microsatellite.
Coding change: c.1556AGG[1] on transcript NM_002609.4 (MANE Select); one copy of the 3-base unit AGG starting at c.1556; the reference has two copies in a row; one copy, 3 bases deleted.
Protein change: p.Glu520del; deletes glutamic acid 520.
Molecular consequence: inframe deletion.
Genome position (GRCh38, 1-based): chr5:150,129,775-150,129,777, CCT deleted on the plus strand (AGG on the coding strand, the reverse complement: PDGFRB is on the minus strand); deleting any 3 consecutive bases within chr5:150,129,775-150,129,780 gives the same sequence; the position shown is the placement nearest the transcript's 3' end. VCF-style (leftmost placement, unchanged base first): chr5-150129774-ACCT-A. GRCh37 (hg19) VCF-style: chr5-149509337-ACCT-A.
Other names: c.1364AGG[1], p.Glu456del (NM_001355016.2); c.1073AGG[1], p.Glu359del (NM_001355017.2); short protein forms E359del, E456del, E520del.
Identifiers: ClinVar variation 2282307 (VCV002282307.2), dbSNP rs2481218502, ClinGen allele CA2580614773.

ClinVar aggregate classification (germline): Uncertain significance (1 of 4 stars; one submission).

Conditions:
Inborn genetic diseases. Identifiers: MedGen C0950123, MeSH D030342.

Submission:

Ambry Genetics
Classification: Uncertain significance for Inborn genetic diseases. Last evaluated: 2022-05-09. Review status: criteria provided, single submitter. Criteria: Ambry Variant Classification Scheme 2023. Collection method: clinical testing. Allele origin: germline.
Comment: The c.1559_1561delAGG (p.E520del) alteration is located in exon 10 (coding exon 9) of the PDGFRB gene. This alteration consists of an in-frame deletion of 3 nucleotides between nucleotide positions c.1559 and c.1561, resulting in the deletion of <NA> residues. Based on insufficient or conflicting evidence, the clinical significance of this alteration remains unclear.